The following is an entry in ClinVar:

NM_000179.3(MSH6):c.3953G>C (p.Arg1318Thr)

Gene: MSH6 (mutS homolog 6; plus strand). Cytogenetic location: 2p16.3.
Variant type: single nucleotide variant.
Coding change: c.3953G>C on transcript NM_000179.3 (MANE Select); coding-DNA position 3953, G replaced by C.
Protein change: p.Arg1318Thr; replaces arginine 1318 with threonine.
Molecular consequence: missense variant. On other transcripts: non-coding transcript variant (5), intron variant (1).
Genome position (GRCh38, 1-based): chr2:47,806,603, G>C. VCF-style: chr2-47806603-G-C. GRCh37 (hg19) VCF-style: chr2-48033742-G-C.
Other names: c.3047G>C, p.Arg1016Thr (NM_001406812.1, NM_001406814.1, NM_001406815.1 and 6 more transcripts); c.3959G>C, p.Arg1320Thr (NM_001406813.1); c.2387G>C, p.Arg796Thr (NM_001406817.1); c.3656G>C, p.Arg1219Thr (NM_001406818.1, NM_001406819.1, NM_001406820.1 and 10 more transcripts); c.3785G>C, p.Arg1262Thr (NM_001406826.1); c.734G>C, p.Arg245Thr (NM_001406831.1); c.800G>C, p.Arg267Thr (NM_001406832.1); c.1898G>C, p.Arg633Thr (NM_001407362.1); and 9 more; short protein forms E1314Q, R1016T, R1030T, R1143T, R1188T, R1219T, R1260T, R1262T.
Identifiers: ClinVar variation 4758315 (VCV004758315.1).
Genomic context (GRCh38, chr2:47,806,603, plus strand): 5'-ATGGCTTTAATGCAGCAAGGCTTGCTAATCTCCCAGAGGAAGTTATTCAAAAGGGACATA[G>C]AAAAGCAAGAGAATTTGAGAAGATGAATCAGTCACTACGATTATTTCGGTAACTAACTAA-3'
Protein context (NP_000170.1, residues 1308-1328): LPEEVIQKGH[Arg1318Thr]KAREFEKMNQ

ClinVar aggregate classification (germline): Uncertain significance (1 of 4 stars; one submission).

Conditions:
Hereditary cancer-predisposing syndrome. Also called: Tumor predisposition; Hereditary Cancer Syndrome; Neoplastic Syndromes, Hereditary; Hereditary neoplastic syndrome. Identifiers: Orphanet 140162, MedGen C0027672, MeSH D009386, MONDO:0015356.

Submission:

Color Diagnostics, LLC DBA Color Health
Classification: Uncertain significance for Hereditary cancer-predisposing syndrome. Last evaluated: 2024-03-11. Review status: criteria provided, single submitter. Criteria: ACMG Guidelines, 2015. Collection method: clinical testing. Allele origin: germline.
Comment: This missense variant replaces arginine with threonine at codon 1318 of the MSH6 protein. Computational prediction is inconclusive regarding the impact of this variant on protein structure and function. To our knowledge, functional studies have not been reported for this variant. This variant has not been reported in individuals affected with MSH6-related disorders in the literature. This variant has not been identified in the general population by the Genome Aggregation Database (gnomAD). The available evidence is insufficient to determine the role of this variant in disease conclusively. Therefore, this variant is classified as a Variant of Uncertain Significance.